The following is an entry in ClinVar:

ClinVar aggregate classification (germline): Benign/Likely benign. Review status: criteria provided, multiple submitters, no conflicts (2 of 4 stars). 3 submissions from 3 submitters: Benign (1); Likely benign (2). Last evaluated 2026-03-01.

Allele frequency attached by ClinVar (database versions not stated): ExAC 0.00049; gnomAD exomes 0.00085; ESP Exome Variant Server 0.00108; 1000 Genomes Project 30x 0.00109; gnomAD 0.00112; TOPMed 0.00116; 1000 Genomes Project 0.00120.
gnomAD v4.1: 1,387 of 1,612,726 alleles (0.086%); highest among the groups gnomAD compares: African/African-American, 0.19%; 1 homozygote.

Submissions (3):

CeGaT Center for Human Genetics Tuebingen
Classification: Likely benign. Last evaluated: 2026-03-01. Review status: criteria provided, single submitter. Criteria: CeGaT Center For Human Genetics Tuebingen Variant Classification Criteria Version 2. Collection method: clinical testing. Allele origin: germline. Affected: yes. Observed: 5 variant alleles.
Comment: CNOT3: BP4, BP7

Labcorp Genetics (formerly Invitae), Labcorp
Classification: Benign. Last evaluated: 2025-12-24. Review status: criteria provided, single submitter. Criteria: Invitae Variant Classification Sherloc (09022015). Collection method: clinical testing. Allele origin: germline.

Blueprint Genetics
Classification: Likely benign. Last evaluated: 2024-10-23. Review status: criteria provided, single submitter. Criteria: ACMG Guidelines, 2015. Collection method: clinical testing. Allele origin: germline.

NM_014516.4(CNOT3):c.594C>T (p.Asp198=)

Gene: CNOT3 (CCR4-NOT transcription complex subunit 3; plus strand). Cytogenetic location: 19q13.42.
Variant type: single nucleotide variant.
Coding change: c.594C>T on transcript NM_014516.4 (MANE Select); coding-DNA position 594, C replaced by T.
Protein change: p.Asp198=; no amino-acid change (aspartic acid 198 retained).
Molecular consequence: synonymous variant.
Genome position (GRCh38, 1-based): chr19:54,145,708, C>T. VCF-style: chr19-54145708-C-T. GRCh37 (hg19) VCF-style: chr19-54649444-C-T.
Identifiers: ClinVar variation 1971115 (VCV001971115.30), dbSNP rs144796513, ClinGen allele CA309339085.